The following is an entry in ClinVar:

NM_013336.4(SEC61A1):c.308G>C (p.Gly103Ala)

Gene: SEC61A1 (SEC61 translocon subunit alpha 1; plus strand). Cytogenetic location: 3q21.3.
Variant type: single nucleotide variant.
Coding change: c.308G>C on transcript NM_013336.4 (MANE Select); coding-DNA position 308, G replaced by C.
Protein change: p.Gly103Ala; replaces glycine 103 with alanine.
Molecular consequence: missense variant.
Genome position (GRCh38, 1-based): chr3:128,056,796, G>C. VCF-style: chr3-128056796-G-C. GRCh37 (hg19) VCF-style: chr3-127775639-G-C.
Other names: c.326G>C, p.Gly109Ala (NM_001400328.1); c.149G>C, p.Gly50Ala (NM_001400329.1); short protein forms G103A, G50A, G109A.
Identifiers: ClinVar variation 4742444 (VCV004742444.1).

ClinVar aggregate classification (germline): Uncertain significance (1 of 4 stars; one submission).

Submission:

Labcorp Genetics (formerly Invitae), Labcorp
Classification: Uncertain significance. Last evaluated: 2025-04-18. Review status: criteria provided, single submitter. Criteria: Invitae Variant Classification Sherloc (09022015). Collection method: clinical testing. Allele origin: germline.
Comment: This sequence change replaces glycine, which is neutral and non-polar, with alanine, which is neutral and non-polar, at codon 103 of the SEC61A1 protein (p.Gly103Ala). This variant is not present in population databases (gnomAD no frequency). This variant has not been reported in the literature in individuals affected with SEC61A1-related conditions. Invitae Evidence Modeling of protein sequence and biophysical properties (such as structural, functional, and spatial information, amino acid conservation, physicochemical variation, residue mobility, and thermodynamic stability) indicates that this missense variant is expected to disrupt SEC61A1 protein function with a positive predictive value of 80%. In summary, the available evidence is currently insufficient to determine the role of this variant in disease. Therefore, it has been classified as a Variant of Uncertain Significance.